The following is an entry in ClinVar:

NM_005045.4(RELN):c.4936+5A>G

Gene: RELN (reelin; minus strand). Cytogenetic location: 7q22.1.
Variant type: single nucleotide variant.
Coding change: c.4936+5A>G on transcript NM_005045.4 (MANE Select); 5 bases into the intron after coding-DNA position 4936, A replaced by G.
Molecular consequence: intron variant.
Genome position (GRCh38, 1-based): chr7:103,566,219, T>C on the plus strand (A>G on the coding strand, the complement: RELN is on the minus strand). VCF-style: chr7-103566219-T-C. GRCh37 (hg19) VCF-style: chr7-103206666-T-C.
Other names: c.4936+5A>G (NM_173054.3).
Identifiers: ClinVar variation 542573 (VCV000542573.10), dbSNP rs1554380236, ClinGen allele CA658796983.

ClinVar aggregate classification (germline): Uncertain significance (1 of 4 stars; one submission).

Conditions:
Familial temporal lobe epilepsy 7. Identifiers: Orphanet 101046, MedGen C4225327, MONDO:0014639, OMIM 616436.
Norman-Roberts syndrome (LIS2). Also called: Lissencephaly 2 (Norman-Roberts type). Identifiers: Orphanet 89844, MedGen C0796089, MONDO:0009760, OMIM 257320.

Allele frequency attached by ClinVar (database versions not stated): gnomAD exomes below 0.00001.
gnomAD v4.1: 1 of 1,607,624 alleles (0.000062%); highest among the groups gnomAD compares: Non-Finnish European, 0.000085%; no homozygotes.

Submission:

Labcorp Genetics (formerly Invitae), Labcorp
Classification: Uncertain significance for Familial temporal lobe epilepsy 7; Norman-Roberts syndrome. Last evaluated: 2023-08-17. Review status: criteria provided, single submitter. Criteria: Invitae Variant Classification Sherloc (09022015). Collection method: clinical testing. Allele origin: germline.
Comment: In summary, the available evidence is currently insufficient to determine the role of this variant in disease. Therefore, it has been classified as a Variant of Uncertain Significance. Variants that disrupt the consensus splice site are a relatively common cause of aberrant splicing (PMID: 17576681, 9536098). Algorithms developed to predict the effect of sequence changes on RNA splicing suggest that this variant is not likely to affect RNA splicing. ClinVar contains an entry for this variant (Variation ID: 542573). This variant has not been reported in the literature in individuals affected with RELN-related conditions. This variant is not present in population databases (gnomAD no frequency). This sequence change falls in intron 33 of the RELN gene. It does not directly change the encoded amino acid sequence of the RELN protein. It affects a nucleotide within the consensus splice site.

Literature cited by the submitters: PubMed 17576681; PubMed 9536098.